The following is an entry in ClinVar:

ClinVar aggregate classification (germline): Uncertain significance. Review status: criteria provided, multiple submitters, no conflicts (2 of 4 stars). 2 submissions from 2 submitters: Uncertain significance (2). Last evaluated 2024-09-11.

Conditions:
Vitamin K-dependent clotting factors, combined deficiency of, type 2. Identifiers: Orphanet 98434, MedGen C1843832, MONDO:0011837, OMIM 607473.

Allele frequency attached by ClinVar (database versions not stated): TOPMed 0.00022; gnomAD 0.00027 and 0.00028; gnomAD exomes 0.00028 and 0.00036; ESP Exome Variant Server 0.00046; ExAC 0.00047.

Submissions (2):

Blueprint Genetics
Classification: Uncertain significance. Last evaluated: 2024-09-11. Review status: criteria provided, single submitter. Criteria: ACMG Guidelines, 2015. Collection method: clinical testing. Allele origin: germline.

Illumina Laboratory Services, Illumina
Classification: Uncertain significance for Vitamin K-dependent clotting factors, combined deficiency of, type 2. Last evaluated: 2017-04-28. Review status: criteria provided, single submitter. Criteria: ICSL Variant Classification Criteria 13 December 2019. Collection method: clinical testing. Allele origin: germline.
Comment: This variant was observed as part of a predisposition screen in an ostensibly healthy population. A literature search was performed for the gene, cDNA change, and amino acid change (where applicable). Publications were found based on this search. However, the evidence from the literature, in combination with allele frequency data from public databases where available, was not sufficient to rule this variant in or out of causing disease. Therefore, this variant is classified as a variant of unknown significance.

Literature cited by the submitters: PubMed 19344422 (cited by Illumina Laboratory Services, Illumina); PubMed 23039877 (cited by Illumina Laboratory Services, Illumina); PubMed 24838629 (cited by Illumina Laboratory Services, Illumina); PubMed 16879214 (cited by Illumina Laboratory Services, Illumina).

NM_024006.6(VKORC1):c.202C>T (p.His68Tyr)

Gene: VKORC1 (vitamin K epoxide reductase complex subunit 1; minus strand). Cytogenetic location: 16p11.2.
Variant type: single nucleotide variant.
Coding change: c.202C>T on transcript NM_024006.6 (MANE Select); coding-DNA position 202, C replaced by T.
Protein change: p.His68Tyr; replaces histidine 68 with tyrosine.
Molecular consequence: missense variant. On other transcripts: intron variant (1).
Genome position (GRCh38, 1-based): chr16:31,093,393, G>A on the plus strand (C>T on the coding strand, the complement: VKORC1 is on the minus strand). VCF-style: chr16-31093393-G-A. GRCh37 (hg19) VCF-style: chr16-31104714-G-A.
Other names: c.202C>T, p.His68Tyr (NM_001311311.2); c.173+1164C>T (NM_206824.3); short protein forms H68Y.
Identifiers: ClinVar variation 887601 (VCV000887601.5), dbSNP rs145273772, ClinGen allele CA8021196.
Genomic context (GRCh38, chr16:31,093,393, plus strand): 5'-AGAAGATGCAACCGAATATGCTGTTGGATTGATTGAGGATGCTGTCCTGTCCCAGCACAT[G>A]CTCCACCAGCCCGAAACCCCTGCCCCACCTGGCAGAGGGGTGGGGTGGGGTGGAACCAGG-3'
Protein context (NP_076869.1, residues 58-78): RWGRGFGLVE[His68Tyr]VLGQDSILNQ